The following is an entry in ClinVar:

NM_052845.4(MMAB):c.644+1G>A

Gene: MMAB (metabolism of cobalamin associated B; minus strand). Cytogenetic location: 12q24.11.
Variant type: single nucleotide variant.
Coding change: c.644+1G>A on transcript NM_052845.4 (MANE Select); the canonical splice donor site of the intron after coding-DNA position 644, G replaced by A.
Molecular consequence: splice donor variant.
Genome position (GRCh38, 1-based): chr12:109,559,095, C>T on the plus strand (G>A on the coding strand, the complement: MMAB is on the minus strand). VCF-style: chr12-109559095-C-T. GRCh37 (hg19) VCF-style: chr12-109996900-C-T.
Identifiers: ClinVar variation 653870 (VCV000653870.7), dbSNP rs1592996077, ClinGen allele CA386636041.

ClinVar aggregate classification (germline): Likely pathogenic (1 of 4 stars; one submission).

Conditions:
Methylmalonic aciduria, cblB type (MACB). Also called: METHYLMALONIC ACIDURIA, VITAMIN B12-RESPONSIVE, DUE TO DEFECT IN SYNTHESIS OF ADENOSYLCOBALAMIN, cblB TYPE; Vitamin B12-responsive methylmalonic acidemia type cblB; Methylmalonic acidemia cblB type. Identifiers: Orphanet 28, Orphanet 79311, MedGen C1855102, MONDO:0009614, OMIM 251110.

gnomAD v4.1: 1 of 1,613,182 alleles (0.000062%); no homozygotes.

Submission:

Labcorp Genetics (formerly Invitae), Labcorp
Classification: Likely pathogenic for Methylmalonic aciduria, cblB type. Last evaluated: 2018-12-01. Review status: criteria provided, single submitter. Criteria: Invitae Variant Classification Sherloc (09022015). Collection method: clinical testing. Allele origin: germline.
Comment: In summary, the currently available evidence indicates that the variant is pathogenic, but additional data are needed to prove that conclusively. Therefore, this variant has been classified as Likely Pathogenic. This variant is predicted to disrupts the C-terminus of the MMAB protein, which has been demonstrated to be important for enzymatic activity (PMID: 21604717). While functional studies have not been performed to directly test the effect of this variant on MMAB protein function, this suggests that disruption of this region of the protein is causative of disease. Nucleotide substitutions within the consensus splice site are a relatively common cause of aberrant splicing (PMID: 17576681, 9536098). Algorithms developed to predict the effect of sequence changes on RNA splicing suggest that this variant may disrupt the consensus splice site, but this prediction has not been confirmed by published transcriptional studies. This variant has not been reported in the literature in individuals with MMAB-related conditions. This variant is not present in population databases (ExAC no frequency). This sequence change affects a donor splice site in the last intron (intron 8) of the MMAB gene. While this is not anticipated to result in nonsense mediated decay, it likely alters RNA splicing and results in a disrupted protein product.

Literature cited by the submitters: PubMed 21604717; PubMed 17576681; PubMed 9536098.